The following is an entry in ClinVar:

ClinVar aggregate classification (germline): Uncertain significance (1 of 4 stars; one submission).

Conditions:
Hereditary cancer-predisposing syndrome. Also called: Neoplastic Syndromes, Hereditary; Tumor predisposition; Hereditary Cancer Syndrome; Hereditary neoplastic syndrome. Identifiers: Orphanet 140162, MedGen C0027672, MeSH D009386, MONDO:0015356.

Submission:

Ambry Genetics
Classification: Uncertain significance for Hereditary cancer-predisposing syndrome. Last evaluated: 2026-05-24. Review status: criteria provided, single submitter. Criteria: Ambry Variant Classification Scheme 2023. Collection method: clinical testing. Allele origin: germline.
Comment: The p.Q344H variant (also known as c.1032A>T), located in coding exon 4 of the MSH6 gene, results from an A to T substitution at nucleotide position 1032. The glutamine at codon 344 is replaced by histidine, an amino acid with highly similar properties. This amino acid position is conserved. In addition, this alteration is predicted to be tolerated by in silico analysis. Based on the available evidence, the clinical significance of this variant remains unclear.

NM_000179.3(MSH6):c.1032A>T (p.Gln344His)

Gene: MSH6 (mutS homolog 6; plus strand). Cytogenetic location: 2p16.3.
Variant type: single nucleotide variant.
Coding change: c.1032A>T on transcript NM_000179.3 (MANE Select); coding-DNA position 1032, A replaced by T.
Protein change: p.Gln344His; replaces glutamine 344 with histidine.
Molecular consequence: missense variant. On other transcripts: non-coding transcript variant (4), intron variant (1).
Genome position (GRCh38, 1-based): chr2:47,799,015, A>T. VCF-style: chr2-47799015-A-T. GRCh37 (hg19) VCF-style: chr2-48026154-A-T.
Other names: c.642A>T, p.Gln214His (NM_001281492.2); c.126A>T, p.Gln42His (NM_001281493.2, NM_001281494.2, NM_001406823.1 and 6 more transcripts); c.1128A>T, p.Gln376His (NM_001406795.1, NM_001406802.1); c.1032A>T, p.Gln344His (NM_001406796.1, NM_001406798.1, NM_001406800.1 and 4 more transcripts); c.735A>T, p.Gln245His (NM_001406797.1, NM_001406801.1, NM_001406805.1 and 10 more transcripts); c.507A>T, p.Gln169His (NM_001406799.1, NM_001406806.1, NM_001406807.1); c.954A>T, p.Gln318His (NM_001406804.1); c.864A>T, p.Gln288His (NM_001406826.1); and 2 more; short protein forms Q169H, Q214H, Q245H, Q288H, Q318H, Q344H, Q346H, Q376H.
Identifiers: ClinVar variation 4860422 (VCV004860422.1).